The following is an entry in ClinVar:

ClinVar aggregate classification (germline): Uncertain significance. Review status: criteria provided, multiple submitters, no conflicts (2 of 4 stars). 2 submissions from 2 submitters: Uncertain significance (2). Last evaluated 2025-11-05.

Conditions:
Hereditary breast ovarian cancer syndrome. Also called: Hereditary breast and/or ovarian cancer syndrome; BRCA1- and BRCA2-Associated Hereditary Breast and Ovarian Cancer; Hereditary breast and ovarian cancer syndrome; Hereditary breast and ovarian cancer; Hereditary breast and ovarian cancer syndrome (HBOC); Breast and ovarian cancer. Identifiers: Orphanet 145, MedGen C0677776, MeSH D061325, MONDO:0003582. Disease mechanism: loss of function.

Allele frequency attached by ClinVar (database versions not stated): TOPMed below 0.00001.

Submissions (3):

Labcorp Genetics (formerly Invitae), Labcorp
Classification: Uncertain significance for Hereditary breast ovarian cancer syndrome. Last evaluated: 2025-11-05. Review status: criteria provided, single submitter. Criteria: Invitae Variant Classification Sherloc (09022015). Collection method: clinical testing. Allele origin: germline.
Comment: This sequence change replaces glutamic acid, which is acidic and polar, with glycine, which is neutral and non-polar, at codon 1754 of the BRCA1 protein (p.Glu1754Gly). This variant is not present in population databases (gnomAD no frequency). This variant has not been reported in the literature in individuals affected with BRCA1-related conditions. ClinVar contains an entry for this variant (Variation ID: 867287). Invitae Evidence Modeling incorporating data from in vitro experimental studies (PMID: 30209399) indicates that this missense variant is not expected to disrupt BRCA1 function with a negative predictive value of 95%. In summary, the available evidence is currently insufficient to determine the role of this variant in disease. Therefore, it has been classified as a Variant of Uncertain Significance.

Quest Diagnostics Nichols Institute San Juan Capistrano
Classification: Uncertain significance. Last evaluated: 2025-07-07. Review status: criteria provided, single submitter. Criteria: Quest Diagnostics criteria. Collection method: clinical testing. Allele origin: unknown.
Comment: The BRCA1 c.5261A>G (p.Glu1754Gly) variant has been reported in the published literature in individuals with gastroesophageal cancer (PMID: 31921639 (2019), 32772458 (2020)). Functional studies demonstrated that this variant had neutral effect on protein function (PMID: 30209399 (2018), 35196514 (2022)). This variant has not been reported in large, multi-ethnic general populations (Genome Aggregation Database). Analysis of this variant using bioinformatics tools for the prediction of the effect of amino acid changes on protein structure and function yielded predictions that this variant is benign. Based on the available information, we are unable to determine the clinical significance of this variant.

Brotman Baty Institute, University of Washington
No classification provided (evidence only). Condition: Breast-ovarian cancer, familial 1. Review status: no classification provided. Collection method: in vitro. Allele origin: not applicable. Functional consequence: functionally_normal. Not counted in ClinVar's aggregate classification.
ClinVar note: "not provided" was previously submitted as the classification for the variant. However, the classification appeared to be based only on an observation of functional data so it was converted to no classification on 2025-07-30.

Literature cited by the submitters: PubMed 30209399 (cited by Labcorp Genetics (formerly Invitae), Labcorp and Quest Diagnostics Nichols Institute San Juan Capistrano); PubMed 35196514 (cited by Quest Diagnostics Nichols Institute San Juan Capistrano); PubMed 32772458 (cited by Quest Diagnostics Nichols Institute San Juan Capistrano); PubMed 31921639 (cited by Quest Diagnostics Nichols Institute San Juan Capistrano).

NM_007294.4(BRCA1):c.5261A>G (p.Glu1754Gly)

Gene: BRCA1 (BRCA1 DNA repair associated; minus strand). Cytogenetic location: 17q21.31.
Variant type: single nucleotide variant.
Coding change: c.5261A>G on transcript NM_007294.4 (MANE Select); coding-DNA position 5261, A replaced by G.
Protein change: p.Glu1754Gly; replaces glutamic acid 1754 with glycine.
Molecular consequence: missense variant. On other transcripts: non-coding transcript variant (1).
Genome position (GRCh38, 1-based): chr17:43,057,068, T>C on the plus strand (A>G on the coding strand, the complement: BRCA1 is on the minus strand). VCF-style: chr17-43057068-T-C. GRCh37 (hg19) VCF-style: chr17-41209085-T-C.
Other names: c.5048A>G, p.Glu1683Gly (NM_001407571.1, NM_001407900.1, NM_001407902.1 and 12 more transcripts); c.5327A>G, p.Glu1776Gly (NM_001407581.1, NM_001407582.1); c.5324A>G, p.Glu1775Gly (NM_001407583.1, NM_001407585.1, NM_001407587.1 and 1 more transcripts); c.5258A>G, p.Glu1753Gly (NM_001407610.1, NM_001407611.1, NM_001407612.1 and 17 more transcripts); c.5255A>G, p.Glu1752Gly (NM_001407629.1, NM_001407630.1, NM_001407631.1 and 14 more transcripts); c.5201A>G, p.Glu1734Gly (NM_001407649.1); c.5183A>G, p.Glu1728Gly (NM_001407652.1, NM_001407653.1, NM_001407654.1 and 1 more transcripts); c.5180A>G, p.Glu1727Gly (NM_001407656.1, NM_001407657.1, NM_001407658.1); and 72 more; short protein forms E1775G, E650G, E1707G, E1754G, E1643G, E1666G, E1684G, E1713G.
Identifiers: ClinVar variation 867287 (VCV000867287.7), dbSNP rs2051502100, ClinGen allele CA10591034.